The following is an entry in ClinVar:

ClinVar aggregate classification (germline): Likely pathogenic (1 of 4 stars; one submission).

Submission:

Labcorp Genetics (formerly Invitae), Labcorp
Classification: Likely pathogenic. Last evaluated: 2024-10-12. Review status: criteria provided, single submitter. Criteria: Invitae Variant Classification Sherloc (09022015). Collection method: clinical testing. Allele origin: germline.
Comment: This variant results in the deletion of part of exon 7 (c.528-35_531del) of the PRPF31 gene. It is expected to disrupt RNA splicing. Variants that disrupt the donor or acceptor splice site typically lead to a loss of protein function (PMID: 16199547), and loss-of-function variants in PRPF31 are known to be pathogenic (PMID: 18317597, 23950152). This variant is not present in population databases (gnomAD no frequency). This variant has been observed in individual(s) with retinitis pigmentosa (internal data). In summary, the currently available evidence indicates that the variant is pathogenic, but additional data are needed to prove that conclusively. Therefore, this variant has been classified as Likely Pathogenic.

Literature cited by the submitters: PubMed 16199547; PubMed 18317597; PubMed 23950152.

NM_015629.4(PRPF31):c.528-35_531del

Gene: PRPF31 (pre-mRNA processing factor 31; plus strand). Cytogenetic location: 19q13.42.
Variant type: Deletion.
Coding change: c.528-35_531del on transcript NM_015629.4 (MANE Select); 35 bases into the intron before coding-DNA position 528 through coding-DNA position 531, 39 bases deleted.
Molecular consequence: splice acceptor variant.
Genome position (GRCh38, 1-based): chr19:54,123,714-54,123,752, 39 bases deleted; deleting any 39 consecutive bases within chr19:54,123,713-54,123,752 gives the same sequence; the c. name uses the placement nearest the transcript's 3' end. GRCh37 (hg19): chr19:54,627,093-54,627,131.
Identifiers: ClinVar variation 3722795 (VCV003722795.2).
Genomic context (GRCh38, chr19:54,123,712, plus strand): 5'-ACACACATGCACACACACACACAGAACCGAGAGGGCTGGGGCTGGGCACACCAGGCAGGC[GGGAGACCCAGGAGGCTGGGCCCACCCGCCCCTGCAGGCA>G]GCAGCTGTCGGAGGAGGAGCTGGAGCGGCTGGAGGAGGCCTGCGACATGGCGCTGGAGCT-3'